The following is an entry in ClinVar:

ClinVar aggregate classification (germline): Likely pathogenic (1 of 4 stars; one submission).

Conditions:
Inborn genetic diseases. Identifiers: MedGen C0950123, MeSH D030342.

Submission:

Ambry Genetics
Classification: Likely pathogenic for Inborn genetic diseases. Last evaluated: 2020-01-29. Review status: criteria provided, single submitter. Criteria: Ambry Variant Classification Scheme 2023. Collection method: clinical testing. Allele origin: germline.
Comment: The alteration results in a premature stop codon:_x000D_ _x000D_ The c.1037dupC (p.Q347Tfs*22) alteration, located in exon 3 (coding exon 2) of the MYCN gene, consists of a duplication of C at position 1037, causing a translational frameshift with a predicted alternate stop codon after 22 amino acids. This alteration occurs in the last exon of the MYCN gene, so while it is truncating, the mRNA is predicted to escape nonsense mediated decay (NMD) and a truncated mutant protein could still be expressed. Premature termination codons located either in the last exon or within 50-55 nucleotides upstream of the 3&rsquo;-most exon-exon junction usually fail to elicit nonsense mediated decay (NMD) (Maquat, 2004). The exact functional impact of the truncation is unknown at this time; however, additional frameshift alterations downstream of this alteration have been reported in the literature as disease-causing (van Bokhoven, 2005). The alteration is not observed in population databases:_x000D_ _x000D_ Based on data from the Genome Aggregation Database (gnomAD), the MYCN c.1037dupC alteration was not observed, with coverage at this position. Based on the available evidence, this alteration is classified as likely pathogenic.

Literature cited by the submitters: PubMed 15821734; PubMed 16906565; PubMed 18671284.

NM_005378.6(MYCN):c.1037dup (p.Gln347fs)

Gene: MYCN (MYCN proto-oncogene, bHLH transcription factor; plus strand). Cytogenetic location: 2p24.3.
Variant type: Duplication.
Coding change: c.1037dup on transcript NM_005378.6 (MANE Select); coding-DNA position 1037, one base duplicated (C; older notation c.1037dupC).
Protein change: p.Gln347fs; shifts the reading frame from glutamine 347.
Molecular consequence: frameshift variant. On other transcripts: 3 prime UTR variant (1).
Genome position (GRCh38, 1-based): chr2:15,945,739, C duplicated; the last of 5 consecutive C bases (chr2:15,945,735-15,945,739); duplicating any one gives the same sequence. VCF-style (leftmost placement, unchanged base first): chr2-15945734-A-AC. GRCh37 (hg19) VCF-style: chr2-16085856-A-AC.
Other names: c.1037dup, p.Gln347fs (NM_001293228.2); c.404dup, p.Gln136fs (NM_001293231.2); c.*972dup (NM_001293233.2); short protein forms Q136fs, Q347fs.
Identifiers: ClinVar variation 986109 (VCV000986109.4), dbSNP rs1662848905, ClinGen allele CA1139656755.